The following is an entry in ClinVar:

ClinVar aggregate classification (germline): Likely benign (1 of 4 stars; one submission).

Submission:

CeGaT Center for Human Genetics Tuebingen
Classification: Likely benign. Last evaluated: 2025-03-01. Review status: criteria provided, single submitter. Criteria: CeGaT Center For Human Genetics Tuebingen Variant Classification Criteria Version 2. Collection method: clinical testing. Allele origin: germline. Affected: yes. Observed: 2 variant alleles.
Comment: KIR2DL4: BP4, BP7

NM_001080770.2(KIR2DL4):c.795C>T (p.Tyr265=)

Gene: KIR2DL4 (killer cell immunoglobulin like receptor, two Ig domains and long cytoplasmic tail 4). Cytogenetic location: 19q13.42.
Variant type: single nucleotide variant.
Coding change: c.795C>T on transcript NM_001080770.2 (MANE Select); coding-DNA position 795, C replaced by T.
Protein change: p.Tyr265=; no amino-acid change (tyrosine 265 retained).
Molecular consequence: synonymous variant. On other transcripts: 3 prime UTR variant (1).
Genome position (GRCh38, 1-based): chr19:54,813,877, C>T. VCF-style: chr19-54813877-C-T. GRCh37 (hg19) VCF-style: chr19-55325332-C-T.
Other names: c.*77C>T (NM_001080772.2).
Identifiers: ClinVar variation 3250668 (VCV003250668.18), dbSNP rs201840919.